The following is an entry in ClinVar:

NM_000574.5(CD55):c.802A>C (p.Thr268Pro)

Gene: CD55 (CD55 molecule (Cromer blood group); plus strand). Cytogenetic location: 1q32.2.
Variant type: single nucleotide variant.
Coding change: c.802A>C on transcript NM_000574.5 (MANE Select); coding-DNA position 802, A replaced by C.
Protein change: p.Thr268Pro; replaces threonine 268 with proline.
Molecular consequence: missense variant. On other transcripts: non-coding transcript variant (1).
Genome position (GRCh38, 1-based): chr1:207,331,245, A>C. VCF-style: chr1-207331245-A-C. GRCh37 (hg19) VCF-style: chr1-207504590-A-C.
Other names: c.802A>C, p.Thr268Pro (NM_001114752.3, NM_001300902.2, NM_001300903.2 and 1 more transcripts); short protein forms T268P.
Identifiers: ClinVar variation 4805894 (VCV004805894.1).

ClinVar aggregate classification (germline): Uncertain significance (1 of 4 stars; one submission).

Submission:

Labcorp Genetics (formerly Invitae), Labcorp
Classification: Uncertain significance. Last evaluated: 2025-10-22. Review status: criteria provided, single submitter. Criteria: Invitae Variant Classification Sherloc (09022015). Collection method: clinical testing. Allele origin: germline.
Comment: This sequence change replaces threonine, which is neutral and polar, with proline, which is neutral and non-polar, at codon 268 of the CD55 protein (p.Thr268Pro). This variant is not present in population databases (gnomAD no frequency). This variant has not been reported in the literature in individuals affected with CD55-related conditions. Invitae Evidence Modeling of protein sequence and biophysical properties (such as structural, functional, and spatial information, amino acid conservation, physicochemical variation, residue mobility, and thermodynamic stability) has been performed for this missense variant. However, the output from this modeling did not meet the statistical confidence thresholds required to predict the impact of this variant on CD55 protein function. In summary, the available evidence is currently insufficient to determine the role of this variant in disease. Therefore, it has been classified as a Variant of Uncertain Significance.